The following is an entry in ClinVar:

NM_001035.3(RYR2):c.5917-81G>A

Gene: RYR2 (ryanodine receptor 2; plus strand). Cytogenetic location: 1q43.
Variant type: single nucleotide variant.
Coding change: c.5917-81G>A on transcript NM_001035.3 (MANE Select); 81 bases into the intron before coding-DNA position 5917, G replaced by A.
Molecular consequence: intron variant.
Genome position (GRCh38, 1-based): chr1:237,623,684, G>A. VCF-style: chr1-237623684-G-A. GRCh37 (hg19) VCF-style: chr1-237786984-G-A.
Identifiers: ClinVar variation 675813 (VCV000675813.2), dbSNP rs186392005, ClinGen allele CA39836891.

ClinVar aggregate classification (germline): Likely benign. Review status: criteria provided, multiple submitters, no conflicts (2 of 4 stars). 2 submissions from 2 submitters: Likely benign (2). Last evaluated 2018-06-14.

Allele frequency attached by ClinVar (database versions not stated): gnomAD 0.00566 and 0.00575; TOPMed 0.00574; 1000 Genomes Project 0.00759; 1000 Genomes Project 30x 0.00781.
gnomAD v4.1: 2,887 of 861,262 alleles (0.34%); highest among the groups gnomAD compares: African/African-American, 1.5%; 25 homozygotes.

Submissions (2):

GeneDx
Classification: Likely benign. Last evaluated: 2018-06-14. Review status: criteria provided, single submitter. Criteria: GeneDx Variant Classification (06012015). Collection method: clinical testing. Allele origin: germline. Affected: yes.
Comment: This variant is considered likely benign or benign based on one or more of the following criteria: it is a conservative change, it occurs at a poorly conserved position in the protein, it is predicted to be benign by multiple in silico algorithms, and/or has population frequency not consistent with disease.

Breakthrough Genomics
Classification: Likely benign. Review status: criteria provided, single submitter. Criteria: ACMG Guidelines, 2015. Collection method: not provided. Allele origin: germline. Inheritance: Autosomal dominant inheritance. Affected: yes.